The following is an entry in ClinVar:

NM_001080516.2(GRXCR2):c.216G>A (p.Arg72=)

Gene: GRXCR2 (glutaredoxin and cysteine rich domain containing 2; minus strand). Cytogenetic location: 5q32.
Variant type: single nucleotide variant.
Coding change: c.216G>A on transcript NM_001080516.2 (MANE Select); coding-DNA position 216, G replaced by A.
Protein change: p.Arg72=; no amino-acid change (arginine 72 retained).
Molecular consequence: synonymous variant.
Genome position (GRCh38, 1-based): chr5:145,872,753, C>T on the plus strand (G>A on the coding strand, the complement: GRXCR2 is on the minus strand). VCF-style: chr5-145872753-C-T. GRCh37 (hg19) VCF-style: chr5-145252316-C-T.
Identifiers: ClinVar variation 2655876 (VCV002655876.24), dbSNP rs756569692, ClinGen allele CA3488087.

ClinVar aggregate classification (germline): Likely benign (1 of 4 stars; one submission).

Allele frequency attached by ClinVar (database versions not stated): ExAC 0.00001.
gnomAD v4.1: 1 of 1,613,090 alleles (0.000062%); no homozygotes.

Submission:

CeGaT Center for Human Genetics Tuebingen
Classification: Likely benign. Last evaluated: 2026-06-01. Review status: criteria provided, single submitter. Criteria: CeGaT Center For Human Genetics Tuebingen Variant Classification Criteria Version 2. Collection method: clinical testing. Allele origin: germline. Affected: yes. Observed: 4 variant alleles.
Comment: GRXCR2: BP4, BP7